The following is an entry in ClinVar:

NM_138694.4(PKHD1):c.9705T>A (p.Asn3235Lys)

Gene: PKHD1 (PKHD1 ciliary IPT domain containing fibrocystin/polyductin; minus strand). Cytogenetic location: 6p12.3.
Variant type: single nucleotide variant.
Coding change: c.9705T>A on transcript NM_138694.4 (MANE Select); coding-DNA position 9705, T replaced by A.
Protein change: p.Asn3235Lys; replaces asparagine 3235 with lysine.
Molecular consequence: missense variant.
Genome position (GRCh38, 1-based): chr6:51,747,911, A>T on the plus strand (T>A on the coding strand, the complement: PKHD1 is on the minus strand). VCF-style: chr6-51747911-A-T. GRCh37 (hg19) VCF-style: chr6-51612709-A-T.
Other names: c.9705T>A, p.Asn3235Lys (NM_170724.3); short protein forms N3235K.
Identifiers: ClinVar variation 357415 (VCV000357415.26), dbSNP rs759568939, ClinGen allele CA3851350.

ClinVar aggregate classification (germline): Conflicting classifications of pathogenicity. Review status: criteria provided, conflicting classifications (1 of 4 stars). 9 submissions from 9 submitters: Uncertain significance (6); Likely benign (1). 2 of the submissions do not count toward it. Last evaluated 2026-05-11.

Conditions:
PKHD1-related disorder. Also called: PKHD1-related condition.
Autosomal recessive polycystic kidney disease (ARPKD). Also called: AR polycystic kidney disease. Identifiers: Orphanet 731, Orphanet 8378, MedGen C0085548, MeSH D017044, MONDO:0009889.
Polycystic kidney disease 4 (PKD4). Also called: Autosomal Recessive Polycystic Kidney Disease – PKHD1; PKD3; POLYCYSTIC KIDNEY DISEASE 4 WITH OR WITHOUT POLYCYSTIC LIVER DISEASE; POLYCYSTIC KIDNEY AND HEPATIC DISEASE 1; POLYCYSTIC KIDNEY DISEASE, INFANTILE, TYPE I. Identifiers: MedGen C4540575, MONDO:0033004, OMIM 263200.

Allele frequency attached by ClinVar (database versions not stated): gnomAD below 0.00001 and 0.00002; TOPMed 0.00001; gnomAD exomes 0.00007 and 0.00015; ExAC 0.00015.
gnomAD v4.1: 102 of 1,613,946 alleles (0.0063%); highest among the groups gnomAD compares: South Asian, 0.089%; 3 homozygotes.

Submissions (9):

PreventionGenetics, part of Exact Sciences
Classification: Uncertain significance for PKHD1-related condition. Last evaluated: 2026-05-11. Review status: criteria provided, single submitter. Criteria: ACMG Guidelines, 2015. Collection method: clinical testing. Allele origin: germline.
Comment: The PKHD1 c.9705T>A variant is predicted to result in the amino acid substitution p.Asn3235Lys. This variant has been reported in the homozygous state in an individual with autosomal recessive polycystic kidney disease (Alehabib et al. 2017. PubMed ID: 27595491); this variant was also reported in a large cohort of individuals with suspected polycystic kidney disease (Gezgin et al. 2025. PubMed ID: 39473742). However, this variant is reported in 0.11% of alleles in individuals of South Asian descent, including one homozygote, in gnomAD. At this time, the clinical significance of this variant is uncertain due to the absence of conclusive functional and genetic evidence.

Labcorp Genetics (formerly Invitae), Labcorp
Classification: Likely benign for Autosomal recessive polycystic kidney disease. Last evaluated: 2025-12-30. Review status: criteria provided, single submitter. Criteria: Invitae Variant Classification Sherloc (09022015). Collection method: clinical testing. Allele origin: germline.

GeneDx
Classification: Uncertain significance. Last evaluated: 2023-06-23. Review status: criteria provided, single submitter. Criteria: GeneDx Variant Classification Process June 2021. Collection method: clinical testing. Allele origin: germline. Affected: yes.
Comment: In silico analysis supports that this missense variant does not alter protein structure/function; This variant is associated with the following publications: (PMID: 34426522, 27595491)

Genome-Nilou Lab
Classification: Uncertain significance for Polycystic kidney disease 4. Last evaluated: 2021-07-22. Review status: criteria provided, single submitter. Criteria: ACMG Guidelines, 2015. Collection method: clinical testing. Allele origin: germline. Affected: no.

Pars Genome Lab
Classification: Uncertain significance for Polycystic kidney disease 4. Last evaluated: 2021-05-18. Review status: criteria provided, single submitter. Criteria: ACMG Guidelines, 2015. Collection method: clinical testing. Allele origin: germline. Affected: no.

Victorian Clinical Genetics Services, Murdoch Childrens Research Institute
Classification: Uncertain significance for Polycystic kidney disease 4. Last evaluated: 2019-08-28. Review status: criteria provided, single submitter. Criteria: ACMG Guidelines, 2015. Collection method: clinical testing. Allele origin: germline.
Comment: A heterozygous missense variant was identified, NM_138694.3(PKHD1):c.9705T>A in exon 58 of 67 of the PKHD1 gene. This substitution is predicted to create a moderate amino acid change from asparagine to lysine at position 3235 of the protein, NP_619639.3(PKHD1):p.(Asn3235Lys). The asparagine at this position has moderate conservation (100 vertebrates, UCSC), but is not situated in a known functional domain. In silico software predictions of the pathogenicity of this variant are conflicting (Polyphen, SIFT, CADD, Mutation Taster). The variant is present in the gnomAD population database at a frequency of 0.015% (35 heterozygotes, 1 homozygote). The variant has been previously reported as both a VUS (ClinVar) and in a homozygote patient with polycystic kidney disease (Alehabib, E., et al. (2017)). Based on information available at the time of curation, this variant has been classified as a VARIANT of UNCERTAIN SIGNIFICANCE (VUS).

Illumina Laboratory Services, Illumina
Classification: Uncertain significance for Polycystic kidney disease 4. Last evaluated: 2018-01-13. Review status: criteria provided, single submitter. Criteria: ICSL Variant Classification Criteria 13 December 2019. Collection method: clinical testing. Allele origin: germline.

Natera, Inc.
Classification: Uncertain significance for Autosomal recessive polycystic kidney disease. Last evaluated: 2018-07-17. Review status: no assertion criteria provided. Collection method: clinical testing. Allele origin: germline. Not counted in ClinVar's aggregate classification.

Counsyl
Classification: Uncertain significance for Polycystic kidney disease 4. Last evaluated: 2017-04-05. Review status: no assertion criteria provided. Collection method: clinical testing. Allele origin: unknown. Not counted in ClinVar's aggregate classification.

Literature cited by the submitters: PubMed 27595491 (cited by Counsyl).